The following is an entry in ClinVar:

NM_021942.6(TRAPPC11):c.2776A>G (p.Thr926Ala)

Gene: TRAPPC11 (trafficking protein particle complex subunit 11; plus strand). Cytogenetic location: 4q35.1.
Variant type: single nucleotide variant.
Coding change: c.2776A>G on transcript NM_021942.6 (MANE Select); coding-DNA position 2776, A replaced by G.
Protein change: p.Thr926Ala; replaces threonine 926 with alanine.
Molecular consequence: missense variant.
Genome position (GRCh38, 1-based): chr4:183,697,760, A>G. VCF-style: chr4-183697760-A-G. GRCh37 (hg19) VCF-style: chr4-184618913-A-G.
Other names: c.2776A>G, p.Thr926Ala (NM_199053.3); short protein forms T926A.
Identifiers: ClinVar variation 541344 (VCV000541344.8), dbSNP rs1219763538, ClinGen allele CA358873256.

ClinVar aggregate classification (germline): Uncertain significance. Review status: criteria provided, multiple submitters, no conflicts (2 of 4 stars). 2 submissions from 2 submitters: Uncertain significance (2). Last evaluated 2023-06-21.

Conditions:
Autosomal recessive limb-girdle muscular dystrophy type R18 (LGMDR18). Also called: MUSCULAR DYSTROPHY, LIMB-GIRDLE, AUTOSOMAL RECESSIVE 18; Autosomal recessive limb-girdle muscular dystrophy type 2S; Limb-girdle muscular dystrophy, type 2S. Identifiers: Orphanet 369840, MedGen C4517996, MONDO:0014144, OMIM 615356.

Allele frequency attached by ClinVar (database versions not stated): gnomAD exomes below 0.00001; TOPMed 0.00001.
gnomAD v4.1: 1 of 1,614,100 alleles (0.000062%); no homozygotes.

Submissions (2):

Revvity Omics, Revvity
Classification: Uncertain significance for Autosomal recessive limb-girdle muscular dystrophy type R18. Last evaluated: 2023-06-21. Review status: criteria provided, single submitter. Criteria: ACMG Guidelines, 2015. Collection method: clinical testing. Allele origin: germline.

Labcorp Genetics (formerly Invitae), Labcorp
Classification: Uncertain significance for Autosomal recessive limb-girdle muscular dystrophy type R18. Last evaluated: 2022-04-25. Review status: criteria provided, single submitter. Criteria: Invitae Variant Classification Sherloc (09022015). Collection method: clinical testing. Allele origin: germline.
Comment: This sequence change replaces threonine, which is neutral and polar, with alanine, which is neutral and non-polar, at codon 926 of the TRAPPC11 protein (p.Thr926Ala). This variant is not present in population databases (gnomAD no frequency). This variant has not been reported in the literature in individuals affected with TRAPPC11-related conditions. ClinVar contains an entry for this variant (Variation ID: 541344). Algorithms developed to predict the effect of missense changes on protein structure and function are either unavailable or do not agree on the potential impact of this missense change (SIFT: "Tolerated"; PolyPhen-2: "Possibly Damaging"; Align-GVGD: "Class C0"). In summary, the available evidence is currently insufficient to determine the role of this variant in disease. Therefore, it has been classified as a Variant of Uncertain Significance.